The following is an entry in ClinVar:

NM_020686.6(ABAT):c.538C>T (p.Arg180Trp)

Gene: ABAT (4-aminobutyrate aminotransferase; plus strand). Cytogenetic location: 16p13.2.
Variant type: single nucleotide variant.
Coding change: c.538C>T on transcript NM_020686.6 (MANE Select); coding-DNA position 538, C replaced by T.
Protein change: p.Arg180Trp; replaces arginine 180 with tryptophan.
Molecular consequence: missense variant. On other transcripts: intron variant (1).
Genome position (GRCh38, 1-based): chr16:8,764,828, C>T. VCF-style: chr16-8764828-C-T. GRCh37 (hg19) VCF-style: chr16-8858685-C-T.
Other names: c.538C>T, p.Arg180Trp (NM_000663.5, NM_001127448.2, NM_001386600.1 and 9 more transcripts); c.403C>T, p.Arg135Trp (NM_001386610.1, NM_001386611.1, NM_001386612.1 and 1 more transcripts); c.292C>T, p.Arg98Trp (NM_001386614.1); c.634C>T, p.Arg212Trp (NM_001386615.1); c.447+679C>T (NM_001386608.1); short protein forms R180W, R135W, R212W, R98W.
Identifiers: ClinVar variation 650563 (VCV000650563.14), dbSNP rs746589996, ClinGen allele CA7893161.
Genomic context (GRCh38, chr16:8,764,828, plus strand): 5'-ACCATGGCCTGCGGCTCCTGCTCCAATGAAAACGCCTTAAAGACCATCTTCATGTGGTAC[C>T]GGGTGAGGTTTGGGGCACACACACACACACACACACAGGCTCCCCAGCACCCAGCCACAC-3'
Protein context (NP_065737.2, residues 170-190): NALKTIFMWY[Arg180Trp]SKERGQRGFS

ClinVar aggregate classification (germline): Uncertain significance. Review status: criteria provided, multiple submitters, no conflicts (2 of 4 stars). 3 submissions from 3 submitters: Uncertain significance (2). 1 of the submissions does not count toward it. Last evaluated 2022-07-05.

Conditions:
Gamma-aminobutyric acid transaminase deficiency (GABATD). Also called: GABA aminotransaminase deficiency; GABA transaminase deficiency; Gamma aminobutyrate transaminase deficiency; 4 alpha aminobutyrate transaminase deficiency. Identifiers: Orphanet 2066, MedGen C0342708, MONDO:0013166, OMIM 613163.
Inborn genetic diseases. Identifiers: MedGen C0950123, MeSH D030342.

Allele frequency attached by ClinVar (database versions not stated): gnomAD 0.00001; TOPMed 0.00001.
gnomAD v4.1: 5 of 1,611,228 alleles (0.00031%); highest among the groups gnomAD compares: Admixed American, 0.0017%; no homozygotes.

Submissions (3):

Labcorp Genetics (formerly Invitae), Labcorp
Classification: Uncertain significance for Gamma-aminobutyric acid transaminase deficiency. Last evaluated: 2022-07-05. Review status: criteria provided, single submitter. Criteria: Invitae Variant Classification Sherloc (09022015). Collection method: clinical testing. Allele origin: germline.
Comment: ClinVar contains an entry for this variant (Variation ID: 650563). This variant has not been reported in the literature in individuals affected with ABAT-related conditions. This variant is present in population databases (rs746589996, gnomAD 0.002%). Algorithms developed to predict the effect of missense changes on protein structure and function (SIFT, PolyPhen-2, Align-GVGD) all suggest that this variant is likely to be disruptive. In summary, the available evidence is currently insufficient to determine the role of this variant in disease. Therefore, it has been classified as a Variant of Uncertain Significance. Algorithms developed to predict the effect of sequence changes on RNA splicing suggest that this variant may create or strengthen a splice site. This sequence change replaces arginine, which is basic and polar, with tryptophan, which is neutral and slightly polar, at codon 180 of the ABAT protein (p.Arg180Trp).

Ambry Genetics
Classification: Uncertain significance for Inborn genetic diseases. Last evaluated: 2021-05-03. Review status: criteria provided, single submitter. Criteria: Ambry Variant Classification Scheme 2023. Collection method: clinical testing. Allele origin: germline.

Center for Molecular Medicine, Children’s Hospital of Fudan University
Classification: Likely pathogenic for Gamma-aminobutyric acid transaminase deficiency. Last evaluated: 2022-02-08. Review status: no assertion criteria provided. Collection method: clinical testing. Allele origin: biparental. Affected: yes. Not counted in ClinVar's aggregate classification.